The following is an entry in ClinVar:

NM_000207.3(INS):c.187+11T>C

Genes: INS (insulin; minus strand), INS-IGF2 (INS-IGF2 readthrough; minus strand). Cytogenetic location: 11p15.5.
Variant type: single nucleotide variant.
Coding change: c.187+11T>C on transcript NM_000207.3 (MANE Select); 11 bases into the intron after coding-DNA position 187, T replaced by C.
Molecular consequence: intron variant.
Genome position (GRCh38, 1-based): chr11:2,160,774, A>G on the plus strand (T>C on the coding strand, the complement: INS is on the minus strand). VCF-style: chr11-2160774-A-G. GRCh37 (hg19) VCF-style: chr11-2182004-A-G.
Other names: c.187+11T>C (NM_001042376.3, NM_001185097.2, NM_001291897.2 and 1 more transcripts).
Identifiers: ClinVar variation 255532 (VCV000255532.33), dbSNP rs5506, ClinGen allele CA5818170.

ClinVar aggregate classification (germline): Benign/Likely benign. Review status: criteria provided, multiple submitters, no conflicts (2 of 4 stars). 9 submissions from 9 submitters: Benign (7); Likely benign (1). 1 of the submissions does not count toward it. Last evaluated 2026-02-04.

Conditions:
Maturity-onset diabetes of the young type 10. Identifiers: Orphanet 552, MedGen C3150617, MONDO:0013240, OMIM 613370.
Diabetes mellitus, permanent neonatal 4. Also called: INS-Related Permanent Neonatal Diabetes Mellitus. Identifiers: MedGen C5394307, MONDO:0030089, OMIM 618858.
Hyperproinsulinemia. Identifiers: MedGen C0342283, MONDO:0014535, OMIM 616214.
Type 1 diabetes mellitus 2. Identifiers: MedGen C1852092, MONDO:0007454, OMIM 125852.
Type 2 diabetes mellitus. Also called: Type II diabetes mellitus. Identifiers: MedGen C0011860, MeSH D003924, MONDO:0005148, OMIM 125853, HP:0005978.

Allele frequency attached by ClinVar (database versions not stated): TOPMed 0.92907; 1000 Genomes Project 30x 0.93051; ESP Exome Variant Server 0.93187; gnomAD 0.93263 and 0.93732; 1000 Genomes Project 0.93391; ExAC 0.98049; gnomAD exomes 0.98371.
gnomAD v4.1: 1,591,137 of 1,610,624 alleles (99%); highest among the groups gnomAD compares: East Asian, 100%; 787,793 homozygotes.

Submissions (9):

Labcorp Genetics (formerly Invitae), Labcorp
Classification: Benign. Last evaluated: 2026-02-04. Review status: criteria provided, single submitter. Criteria: Invitae Variant Classification Sherloc (09022015). Collection method: clinical testing. Allele origin: germline.

Blueprint Genetics
Classification: Benign. Last evaluated: 2024-11-27. Review status: criteria provided, single submitter. Criteria: ACMG Guidelines, 2015. Collection method: clinical testing. Allele origin: germline.

Fulgent Genetics
Classification: Likely benign for Type 1 diabetes mellitus 2; Maturity-onset diabetes of the young type 10; Hyperproinsulinemia; Diabetes mellitus, permanent neonatal 4. Last evaluated: 2022-01-04. Review status: criteria provided, single submitter. Criteria: ACMG Guidelines, 2015. Collection method: clinical testing. Allele origin: unknown.

Illumina Laboratory Services, Illumina
Classification: Benign for Maturity-onset diabetes of the young type 10. Last evaluated: 2018-01-12. Review status: criteria provided, single submitter. Criteria: ICSL Variant Classification Criteria 13 December 2019. Collection method: clinical testing. Allele origin: germline.
Comment: This variant was observed in the ICSL laboratory as part of a predisposition screen in an ostensibly healthy population. It had not been previously curated by ICSL or reported in the Human Gene Mutation Database (HGMD: prior to June 1st, 2018), and was therefore a candidate for classification through an automated scoring system. Utilizing variant allele frequency, disease prevalence and penetrance estimates, and inheritance mode, an automated score was calculated to assess if this variant is too frequent to cause the disease. Based on the score and internal cut-off values, a variant classified as benign is not then subjected to further curation. The score for this variant resulted in a classification of benign for this disease.

Athena Diagnostics
Classification: Benign. Last evaluated: 2017-08-02. Review status: criteria provided, single submitter. Criteria: Athena Diagnostics Criteria. Collection method: clinical testing. Allele origin: germline.

GeneDx
Classification: Benign. Last evaluated: 2015-03-03. Review status: criteria provided, single submitter. Criteria: GeneDx Variant Classification Process June 2021. Collection method: clinical testing. Allele origin: germline. Affected: yes.

Breakthrough Genomics
Classification: Benign. Review status: criteria provided, single submitter. Criteria: ACMG Guidelines, 2015. Collection method: not provided. Allele origin: germline. Inheritance: Autosomal dominant inheritance. Affected: yes.

PreventionGenetics, part of Exact Sciences
Classification: Benign. Review status: criteria provided, single submitter. Criteria: ACMG Guidelines, 2015. Collection method: clinical testing. Allele origin: germline.

Clinical Genomics, Uppaluri K&H Personalized Medicine Clinic
Classification: Benign for Type 2 diabetes mellitus. Review status: no assertion criteria provided. Collection method: research. Allele origin: germline. Inheritance: Autosomal dominant inheritance. Not counted in ClinVar's aggregate classification.

Literature cited by the submitters: PubMed 30456822 (cited by Clinical Genomics, Uppaluri K&H Personalized Medicine Clinic).